The following is an entry in ClinVar:

ClinVar aggregate classification (germline): Uncertain significance. Review status: criteria provided, multiple submitters, no conflicts (2 of 4 stars). 2 submissions from 2 submitters: Uncertain significance (2). Last evaluated 2022-11-15.

Conditions:
Hereditary cancer-predisposing syndrome. Also called: Neoplastic Syndromes, Hereditary; Tumor predisposition; Hereditary Cancer Syndrome; Hereditary neoplastic syndrome. Identifiers: Orphanet 140162, MedGen C0027672, MeSH D009386, MONDO:0015356.
Familial adenomatous polyposis 1 (FAP1). Also called: FAMILIAL ADENOMATOUS POLYPOSIS 1, ATTENUATED; POLYPOSIS, ADENOMATOUS INTESTINAL. Identifiers: MedGen C2713442, MONDO:0021056, OMIM 175100. Disease mechanism: loss of function.

Submissions (2):

Ambry Genetics
Classification: Uncertain significance for Hereditary cancer-predisposing syndrome. Last evaluated: 2022-11-15. Review status: criteria provided, single submitter. Criteria: Ambry Variant Classification Scheme 2023. Collection method: clinical testing. Allele origin: germline.
Comment: The p.H712R variant (also known as c.2135A>G), located in coding exon 15 of the APC gene, results from an A to G substitution at nucleotide position 2135. The histidine at codon 712 is replaced by arginine, an amino acid with highly similar properties. This amino acid position is highly conserved in available vertebrate species. In addition, in silico predictors for this gene do not accurately predict pathogenicity. Since supporting evidence is limited at this time, the clinical significance of this alteration remains unclear.

Labcorp Genetics (formerly Invitae), Labcorp
Classification: Uncertain significance for Familial adenomatous polyposis 1. Last evaluated: 2018-09-03. Review status: criteria provided, single submitter. Criteria: Invitae Variant Classification Sherloc (09022015). Collection method: clinical testing. Allele origin: germline.
Comment: This variant is not present in population databases (ExAC no frequency). This variant has not been reported in the literature in individuals with APC-related disease. ClinVar contains an entry for this variant (Variation ID: 482419). Algorithms developed to predict the effect of missense changes on protein structure and function are either unavailable or do not agree on the potential impact of this missense change (SIFT: "Tolerated"; PolyPhen-2: "Possibly Damaging"; Align-GVGD: "Class C0"). In summary, the available evidence is currently insufficient to determine the role of this variant in disease. Therefore, it has been classified as a Variant of Uncertain Significance. This sequence change replaces histidine with arginine at codon 712 of the APC protein (p.His712Arg). The histidine residue is highly conserved and there is a small physicochemical difference between histidine and arginine.

NM_000038.6(APC):c.2135A>G (p.His712Arg)

Gene: APC (APC regulator of Wnt signaling pathway; plus strand). Cytogenetic location: 5q22.2.
Variant type: single nucleotide variant.
Coding change: c.2135A>G on transcript NM_000038.6 (MANE Select); coding-DNA position 2135, A replaced by G.
Protein change: p.His712Arg; replaces histidine 712 with arginine.
Molecular consequence: missense variant.
Genome position (GRCh38, 1-based): chr5:112,837,729, A>G. VCF-style: chr5-112837729-A-G. GRCh37 (hg19) VCF-style: chr5-112173426-A-G.
Other names: c.2135A>G, p.His712Arg (NM_001127510.3, NM_001354895.2); c.2081A>G, p.His694Arg (NM_001127511.3); c.2189A>G, p.His730Arg (NM_001354896.2); c.2165A>G, p.His722Arg (NM_001354897.2); c.2060A>G, p.His687Arg (NM_001354898.2); c.2051A>G, p.His684Arg (NM_001354899.2); c.2012A>G, p.His671Arg (NM_001354900.2); c.1958A>G, p.His653Arg (NM_001354901.2); and 5 more; short protein forms H694R, H712R, H586R, H671R, H552R, H429R, H621R, H730R.
Identifiers: ClinVar variation 482419 (VCV000482419.16), dbSNP rs1554083961, ClinGen allele CA16026000.